The following is an entry in ClinVar:

ClinVar aggregate classification (germline): Uncertain significance. Review status: criteria provided, multiple submitters, no conflicts (2 of 4 stars). 2 submissions from 2 submitters: Uncertain significance (2). Last evaluated 2025-03-26.

Conditions:
Inborn genetic diseases. Identifiers: MedGen C0950123, MeSH D030342.

Allele frequency attached by ClinVar (database versions not stated): ExAC 0.00006; gnomAD 0.00004 and 0.00003; TOPMed 0.00003; gnomAD exomes 0.00006.
gnomAD v4.1: 42 of 1,613,462 alleles (0.0026%); highest among the groups gnomAD compares: East Asian, 0.0067%; no homozygotes.

Submissions (2):

Ambry Genetics
Classification: Uncertain significance for Inborn genetic diseases. Last evaluated: 2025-03-26. Review status: criteria provided, single submitter. Criteria: Ambry Variant Classification Scheme 2023. Collection method: clinical testing. Allele origin: germline.

Labcorp Genetics (formerly Invitae), Labcorp
Classification: Uncertain significance. Last evaluated: 2023-07-10. Review status: criteria provided, single submitter. Criteria: Invitae Variant Classification Sherloc (09022015). Collection method: clinical testing. Allele origin: germline.
Comment: An algorithm developed to predict the effect of missense changes on protein structure and function (PolyPhen-2) suggests that this variant is likely to be disruptive. In summary, the available evidence is currently insufficient to determine the role of this variant in disease. Therefore, it has been classified as a Variant of Uncertain Significance. ClinVar contains an entry for this variant (Variation ID: 1421942). This sequence change replaces arginine, which is basic and polar, with tryptophan, which is neutral and slightly polar, at codon 2030 of the MPDZ protein (p.Arg2030Trp). This variant is present in population databases (rs745768687, gnomAD 0.01%). This variant has not been reported in the literature in individuals affected with MPDZ-related conditions.

NM_001378778.1(MPDZ):c.6175C>T (p.Arg2059Trp)

Gene: MPDZ (multiple PDZ domain crumbs cell polarity complex component; minus strand). Cytogenetic location: 9p23.
Variant type: single nucleotide variant.
Coding change: c.6175C>T on transcript NM_001378778.1 (MANE Select); coding-DNA position 6175, C replaced by T.
Protein change: p.Arg2059Trp; replaces arginine 2059 with tryptophan.
Molecular consequence: missense variant.
Genome position (GRCh38, 1-based): chr9:13,107,003, G>A on the plus strand (C>T on the coding strand, the complement: MPDZ is on the minus strand). VCF-style: chr9-13107003-G-A. GRCh37 (hg19) VCF-style: chr9-13107002-G-A.
Other names: c.6076C>T, p.Arg2026Trp (NM_001261406.2, NM_001375416.1, NM_001375417.1 and 1 more transcripts); c.5989C>T, p.Arg1997Trp (NM_001261407.2, NM_001375419.1); c.6175C>T, p.Arg2059Trp (NM_001330637.2); c.6274C>T, p.Arg2092Trp (NM_001375413.1); c.5965C>T, p.Arg1989Trp (NM_001375420.1, NM_001375421.1, NM_001375422.1 and 2 more transcripts); c.5878C>T, p.Arg1960Trp (NM_001375425.1, NM_001375426.1); c.5767C>T, p.Arg1923Trp (NM_001375427.1); c.6088C>T, p.Arg2030Trp (NM_003829.5); and 1 more; short protein forms R1960W, R1989W, R2026W, R1923W, R2030W, R1997W, R2059W, R2092W.
Identifiers: ClinVar variation 1421942 (VCV001421942.5), dbSNP rs745768687, ClinGen allele CA4985933.